The following is an entry in ClinVar:

ClinVar aggregate classification (germline): Uncertain significance. Review status: criteria provided, multiple submitters, no conflicts (2 of 4 stars). 3 submissions from 3 submitters: Uncertain significance (3). Last evaluated 2025-10-22.

Conditions:
Inborn genetic diseases. Identifiers: MedGen C0950123, MeSH D030342.
Lethal multiple pterygium syndrome (LMPS). Identifiers: Orphanet 33108, MedGen C1854678, MONDO:0009668, OMIM 253290.

Allele frequency attached by ClinVar (database versions not stated): ExAC 0.00001; gnomAD exomes 0.00003 and 0.00008; gnomAD 0.00004 and 0.00005; TOPMed 0.00004.
gnomAD v4.1: 127 of 1,613,920 alleles (0.0079%); highest among the groups gnomAD compares: Non-Finnish European, 0.01%; no homozygotes.

Submissions (3):

Mayo Clinic Laboratories, Mayo Clinic
Classification: Uncertain significance. Last evaluated: 2025-10-22. Review status: criteria provided, single submitter. Criteria: ACMG Guidelines, 2015. Collection method: clinical testing. Allele origin: germline. Observed: 1 variant allele.

Labcorp Genetics (formerly Invitae), Labcorp
Classification: Uncertain significance for Lethal multiple pterygium syndrome. Last evaluated: 2025-03-18. Review status: criteria provided, single submitter. Criteria: Invitae Variant Classification Sherloc (09022015). Collection method: clinical testing. Allele origin: germline.
Comment: This sequence change replaces glutamic acid, which is acidic and polar, with glycine, which is neutral and non-polar, at codon 192 of the CHRNA1 protein (p.Glu192Gly). This variant is present in population databases (rs746009147, gnomAD 0.007%). This variant has not been reported in the literature in individuals affected with CHRNA1-related conditions. ClinVar contains an entry for this variant (Variation ID: 466182). Invitae Evidence Modeling of protein sequence and biophysical properties (such as structural, functional, and spatial information, amino acid conservation, physicochemical variation, residue mobility, and thermodynamic stability) indicates that this missense variant is not expected to disrupt CHRNA1 protein function with a negative predictive value of 80%. In summary, the available evidence is currently insufficient to determine the role of this variant in disease. Therefore, it has been classified as a Variant of Uncertain Significance.

Ambry Genetics
Classification: Uncertain significance for Inborn genetic diseases. Last evaluated: 2023-06-16. Review status: criteria provided, single submitter. Criteria: Ambry Variant Classification Scheme 2023. Collection method: clinical testing. Allele origin: germline.

NM_000079.4(CHRNA1):c.575A>G (p.Glu192Gly)

Gene: CHRNA1 (cholinergic receptor nicotinic alpha 1 subunit; minus strand). Cytogenetic location: 2q31.1.
Variant type: single nucleotide variant.
Coding change: c.575A>G on transcript NM_000079.4 (MANE Select); coding-DNA position 575, A replaced by G.
Protein change: p.Glu192Gly; replaces glutamic acid 192 with glycine.
Molecular consequence: missense variant.
Genome position (GRCh38, 1-based): chr2:174,753,706, T>C on the plus strand (A>G on the coding strand, the complement: CHRNA1 is on the minus strand). VCF-style: chr2-174753706-T-C. GRCh37 (hg19) VCF-style: chr2-175618434-T-C.
Other names: p.Glu192Gly; c.650A>G, p.Glu217Gly (NM_001039523.3); short protein forms E192G, E217G.
Identifiers: ClinVar variation 466182 (VCV000466182.13), dbSNP rs746009147, ClinGen allele CA1974517.
Genomic context (GRCh38, chr2:174,753,706, plus strand): 5'-CAGGAATAGGTCACGGAGTGCTTCCAGCCCCGGGACTCCTTGATCACCCACTCCCCGCTC[T>C]CCATGAAGTTGCTCAGGTCTGGCTGGTCGCTTTCCTGAGAAAGGAAGTGAGGTTTGGAAA-3'
Protein context (NP_000070.1, residues 182-202): SDQPDLSNFM[Glu192Gly]SGEWVIKESR